The following is an entry in ClinVar:

ClinVar aggregate classification (germline): Conflicting classifications of pathogenicity. Review status: criteria provided, conflicting classifications (1 of 4 stars). 2 submissions from 2 submitters: Uncertain significance (1); Likely benign (1). Last evaluated 2026-02-01.

Conditions:
KIF5A-related intractable neonatal myoclonus.
Spastic paraplegia. Identifiers: MedGen C0037772, HP:0001258.

Allele frequency attached by ClinVar (database versions not stated): gnomAD exomes below 0.00001 and 0.00001; TOPMed below 0.00001.
gnomAD v4.1: 8 of 1,614,194 alleles (0.0005%); highest among the groups gnomAD compares: South Asian, 0.0022%; no homozygotes.

Submissions (2):

Labcorp Genetics (formerly Invitae), Labcorp
Classification: Likely benign for Spastic paraplegia. Last evaluated: 2026-02-01. Review status: criteria provided, single submitter. Criteria: Invitae Variant Classification Sherloc (09022015). Collection method: clinical testing. Allele origin: germline.

Illumina Laboratory Services, Illumina
Classification: Uncertain significance for KIF5A-related intractable neonatal myoclonus. Last evaluated: 2022-05-19. Review status: criteria provided, single submitter. Criteria: ICSLVariantClassificationCriteria RUGD 01 April 2020. Collection method: clinical testing. Allele origin: unknown.
Comment: The KIF5A c.1603C>T (p.Arg535Trp) missense variant results in the substitution of arginine at amino acid position 535 with tryptophan. To our knowledge, this variant has not been reported in the peer-reviewed literature. This variant is reported in the Genome Aggregation Database in one allele at a frequency of 0.000033 in the South Asian population (version 2.1.1). The c.1603C>T variant is located in the stalk domain of KIF5A. Based on the available evidence, the c.1603C>T variant is classified as a variant of uncertain significance for KIF5A-related intractable neonatal myoclonus.

NM_004984.4(KIF5A):c.1603C>T (p.Arg535Trp)

Gene: KIF5A (kinesin family member 5A; plus strand). Cytogenetic location: 12q13.3.
Variant type: single nucleotide variant.
Coding change: c.1603C>T on transcript NM_004984.4 (MANE Select); coding-DNA position 1603, C replaced by T.
Protein change: p.Arg535Trp; replaces arginine 535 with tryptophan.
Molecular consequence: missense variant.
Genome position (GRCh38, 1-based): chr12:57,572,613, C>T. VCF-style: chr12-57572613-C-T. GRCh37 (hg19) VCF-style: chr12-57966396-C-T.
Other names: c.1336C>T, p.Arg446Trp (NM_001354705.2); short protein forms R446W, R535W.
Identifiers: ClinVar variation 1026119 (VCV001026119.11), dbSNP rs1055742325, ClinGen allele CA237785245.